The following is an entry in ClinVar:

NM_001999.4(FBN2):c.7562A>G (p.Tyr2521Cys)

Gene: FBN2 (fibrillin 2; minus strand). Cytogenetic location: 5q23.3.
Variant type: single nucleotide variant.
Coding change: c.7562A>G on transcript NM_001999.4 (MANE Select); coding-DNA position 7562, A replaced by G.
Protein change: p.Tyr2521Cys; replaces tyrosine 2521 with cysteine.
Molecular consequence: missense variant.
Genome position (GRCh38, 1-based): chr5:128,276,070, T>C on the plus strand (A>G on the coding strand, the complement: FBN2 is on the minus strand). VCF-style: chr5-128276070-T-C. GRCh37 (hg19) VCF-style: chr5-127611762-T-C.
Other names: short protein forms Y2521C.
Identifiers: ClinVar variation 1697164 (VCV001697164.2), dbSNP rs2126807281, ClinGen allele CA360753740.
Genomic context (GRCh38, chr5:128,276,070, plus strand): 5'-TCACGATTGTCAGAGACTCTTCACTCACCTTTGCATGTCTTTCCATCCTCTTGCAGGACA[T>C]ACCCCCTCGGACATGAACACTGATAACTCCCCTCAGTGTTCTTGCAGATGTAGTTGCATG-3'
Protein context (NP_001990.2, residues 2511-2531): GSYQCSCPRG[Tyr2521Cys]VLQEDGKTCK

ClinVar aggregate classification (germline): Uncertain significance (1 of 4 stars; one submission).

Allele frequency attached by ClinVar (database versions not stated): gnomAD exomes below 0.00001.
gnomAD v4.1: 2 of 1,613,862 alleles (0.00012%); highest among the groups gnomAD compares: East Asian, 0.0022%; no homozygotes.

Submission:

GeneDx
Classification: Uncertain significance. Last evaluated: 2022-01-12. Review status: criteria provided, single submitter. Criteria: GeneDx Variant Classification Process June 2021. Collection method: clinical testing. Allele origin: germline. Affected: yes.
Comment: Has not been previously published as pathogenic or benign to our knowledge; Not observed at significant frequency in large population cohorts (gnomAD); In silico analysis supports that this missense variant has a deleterious effect on protein structure/function; This variant is associated with the following publications: (PMID: 18767143)